The following is an entry in ClinVar:

NM_007325.5(GRIA3):c.268+5G>A

Gene: GRIA3 (glutamate ionotropic receptor AMPA type subunit 3; plus strand). Cytogenetic location: Xq25.
Variant type: single nucleotide variant.
Coding change: c.268+5G>A on transcript NM_007325.5 (MANE Select); 5 bases into the intron after coding-DNA position 268, G replaced by A.
Molecular consequence: intron variant.
Genome position (GRCh38, 1-based): chrX:123,185,995, G>A. VCF-style: chrX-123185995-G-A. GRCh37 (hg19) VCF-style: chrX-122319847-G-A.
Other names: c.268+5G>A (NM_000828.5, NM_001256743.2).
Identifiers: ClinVar variation 3361154 (VCV003361154.1).
Genomic context (GRCh38, chrX:123,185,995, plus strand): 5'-GAATTACCACGTAGATCACTTGGATTCCTCCAATAGTTTTTCCGTGACAAATGCTTGTAA[G>A]TAGATCTGCTTTTCCTCCCTTTGGGACGTTGGGGACCTCATTTGCATCTTTCTTGTGGCA-3'

ClinVar aggregate classification (germline): Uncertain significance (1 of 4 stars; one submission).

Submission:

GeneDx
Classification: Uncertain significance. Last evaluated: 2023-07-16. Review status: criteria provided, single submitter. Criteria: GeneDx Variant Classification Process June 2021. Collection method: clinical testing. Allele origin: germline. Affected: yes.
Comment: Not observed at significant frequency in large population cohorts (gnomAD); In silico analysis supports a deleterious effect on splicing; Has not been previously published as pathogenic or benign to our knowledge